The following is an entry in ClinVar:

ClinVar aggregate classification (germline): Pathogenic (1 of 4 stars; one submission).

Submission:

Labcorp Genetics (formerly Invitae), Labcorp
Classification: Pathogenic. Last evaluated: 2024-01-18. Review status: criteria provided, single submitter. Criteria: Invitae Variant Classification Sherloc (09022015). Collection method: clinical testing. Allele origin: germline.
Comment: This sequence change creates a premature translational stop signal (p.Cys560*) in the LZTR1 gene. It is expected to result in an absent or disrupted protein product. Loss-of-function variants in LZTR1 are known to be pathogenic (PMID: 24362817, 25335493, 25480913, 25795793, 29469822, 30368668, 30442762, 30442766, 30481304, 30859559). This variant is not present in population databases (gnomAD no frequency). This variant has not been reported in the literature in individuals affected with LZTR1-related conditions. For these reasons, this variant has been classified as Pathogenic.

Literature cited by the submitters: PubMed 24362817; PubMed 25335493; PubMed 25480913; PubMed 25795793; PubMed 29469822; PubMed 30368668; PubMed 30442762; PubMed 30442766; PubMed 30481304; PubMed 30859559.

NM_006767.4(LZTR1):c.1680C>A (p.Cys560Ter)

Gene: LZTR1 (leucine zipper like post translational regulator 1; plus strand). Cytogenetic location: 22q11.21.
Variant type: single nucleotide variant.
Coding change: c.1680C>A on transcript NM_006767.4 (MANE Select); coding-DNA position 1680, C replaced by A.
Protein change: p.Cys560Ter; replaces cysteine 560 with a stop codon.
Molecular consequence: nonsense.
Genome position (GRCh38, 1-based): chr22:20,994,622, C>A. VCF-style: chr22-20994622-C-A. GRCh37 (hg19) VCF-style: chr22-21348911-C-A.
Other names: short protein forms C560*.
Identifiers: ClinVar variation 2917085 (VCV002917085.3), dbSNP rs2518621771, ClinGen allele CA410777732.